The following is an entry in ClinVar:

ClinVar aggregate classification (germline): Likely benign (1 of 4 stars; one submission).

Allele frequency attached by ClinVar (database versions not stated): TOPMed 0.00003.
gnomAD v4.1: 2 of 151,954 alleles (0.0013%); highest among the groups gnomAD compares: East Asian, 0.019%; no homozygotes.

Submission:

CeGaT Center for Human Genetics Tuebingen
Classification: Likely benign. Last evaluated: 2022-08-01. Review status: criteria provided, single submitter. Criteria: CeGaT Center For Human Genetics Tuebingen Variant Classification Criteria Version 2. Collection method: clinical testing. Allele origin: germline. Affected: yes. Observed: 1 variant allele.
Comment: HCN1: BP4, BP7

NM_021072.4(HCN1):c.1783+545G>A

Gene: HCN1 (hyperpolarization activated cyclic nucleotide gated potassium channel 1; minus strand). Cytogenetic location: 5p12.
Variant type: single nucleotide variant.
Coding change: c.1783+545G>A on transcript NM_021072.4 (MANE Select); 545 bases into the intron after coding-DNA position 1783, G replaced by A.
Molecular consequence: intron variant.
Genome position (GRCh38, 1-based): chr5:45,266,544, C>T on the plus strand (G>A on the coding strand, the complement: HCN1 is on the minus strand). VCF-style: chr5-45266544-C-T. GRCh37 (hg19) VCF-style: chr5-45266646-C-T.
Identifiers: ClinVar variation 2655456 (VCV002655456.24), dbSNP rs1354247600, ClinGen allele CA559402677.